The following is an entry in ClinVar:

NM_005228.5(EGFR):c.2923C>T (p.Pro975Ser)

Gene: EGFR (epidermal growth factor receptor; plus strand). Cytogenetic location: 7p11.2.
Variant type: single nucleotide variant.
Coding change: c.2923C>T on transcript NM_005228.5 (MANE Select); coding-DNA position 2923, C replaced by T.
Protein change: p.Pro975Ser; replaces proline 975 with serine.
Molecular consequence: missense variant.
Genome position (GRCh38, 1-based): chr7:55,200,390, C>T. VCF-style: chr7-55200390-C-T. GRCh37 (hg19) VCF-style: chr7-55268083-C-T.
Other names: c.2788C>T, p.Pro930Ser (NM_001346897.2, NM_001346899.2); c.2923C>T, p.Pro975Ser (NM_001346898.2); c.2764C>T, p.Pro922Ser (NM_001346900.2); c.2122C>T, p.Pro708Ser (NM_001346941.2); short protein forms P708S, P930S, P975S, P922S.
Identifiers: ClinVar variation 4639616 (VCV004639616.1).

ClinVar aggregate classification (germline): Uncertain significance (1 of 4 stars; one submission).

Conditions:
Hereditary cancer-predisposing syndrome. Also called: Neoplastic Syndromes, Hereditary; Tumor predisposition; Hereditary Cancer Syndrome; Hereditary neoplastic syndrome. Identifiers: Orphanet 140162, MedGen C0027672, MeSH D009386, MONDO:0015356.

Submission:

Ambry Genetics
Classification: Uncertain significance for Hereditary cancer-predisposing syndrome. Last evaluated: 2025-11-16. Review status: criteria provided, single submitter. Criteria: Ambry Variant Classification Scheme 2023. Collection method: clinical testing. Allele origin: germline.
Comment: The p.P975S variant (also known as c.2923C>T), located in coding exon 24 of the EGFR gene, results from a C to T substitution at nucleotide position 2923. The proline at codon 975 is replaced by serine, an amino acid with similar properties. This amino acid position is conserved. In addition, the in silico prediction for this alteration is inconclusive. Based on the available evidence, the clinical significance of this variant remains unclear.